The following is an entry in ClinVar:

NM_000287.4(PEX6):c.2635C>G (p.Gln879Glu)

Gene: PEX6 (peroxisomal biogenesis factor 6; minus strand). Cytogenetic location: 6p21.1.
Variant type: single nucleotide variant.
Coding change: c.2635C>G on transcript NM_000287.4 (MANE Select); coding-DNA position 2635, C replaced by G.
Protein change: p.Gln879Glu; replaces glutamine 879 with glutamic acid.
Molecular consequence: missense variant. On other transcripts: non-coding transcript variant (1).
Genome position (GRCh38, 1-based): chr6:42,965,106, G>C on the plus strand (C>G on the coding strand, the complement: PEX6 is on the minus strand). VCF-style: chr6-42965106-G-C. GRCh37 (hg19) VCF-style: chr6-42932844-G-C.
Other names: c.2371C>G, p.Gln791Glu (NM_001316313.2); short protein forms Q879E, Q791E.
Identifiers: ClinVar variation 1039111 (VCV001039111.7), dbSNP rs1769709206, ClinGen allele CA364150638.
Genomic context (GRCh38, chr6:42,965,106, plus strand): 5'-CTTCGCAGTCTTCCTCTAACAGAGCATACTTGCGTGTGATGGCACTTAGAACGCGTAGCT[G>C]GGAGGCCCGGTCCTCATTTGCCCCCACAAACACCAGCTTGTCAAATCTTTAGGGAGATAG-3'
Protein context (NP_000278.3, residues 869-889): FVGANEDRAS[Gln879Glu]LRVLSAITRK

ClinVar aggregate classification (germline): Uncertain significance. Review status: criteria provided, single submitter (1 of 4 stars). 2 submissions from 2 submitters: Uncertain significance (1). 1 of the submissions does not count toward it. Last evaluated 2021-08-24.

Conditions:
Zellweger spectrum disorders (ZS). Also called: Zellweger Spectrum Disorder (ZSD); Zellweger Spectrum Disorder; Zellweger Spectrum; Zellweger syndrome. Identifiers: Orphanet 912, MedGen C0043459, MONDO:0019609.
Peroxisome biogenesis disorder. Identifiers: Orphanet 79189, MedGen C1832200, MONDO:0019234. Disease mechanism: loss of function.

Submissions (2):

Labcorp Genetics (formerly Invitae), Labcorp
Classification: Uncertain significance for Peroxisome biogenesis disorder. Last evaluated: 2021-08-24. Review status: criteria provided, single submitter. Criteria: Invitae Variant Classification Sherloc (09022015). Collection method: clinical testing. Allele origin: germline.
Comment: This sequence change replaces glutamine with glutamic acid at codon 879 of the PEX6 protein (p.Gln879Glu). The glutamine residue is moderately conserved and there is a small physicochemical difference between glutamine and glutamic acid. This variant is not present in population databases (ExAC no frequency). This variant has not been reported in the literature in individuals affected with PEX6-related conditions. Algorithms developed to predict the effect of missense changes on protein structure and function are either unavailable or do not agree on the potential impact of this missense change (SIFT: "Deleterious"; PolyPhen-2: "Benign"; Align-GVGD: "Class C0"). In summary, the available evidence is currently insufficient to determine the role of this variant in disease. Therefore, it has been classified as a Variant of Uncertain Significance.

Natera, Inc.
Classification: Uncertain significance for Zellweger syndrome. Last evaluated: 2020-12-08. Review status: no assertion criteria provided. Collection method: clinical testing. Allele origin: germline. Not counted in ClinVar's aggregate classification.